The following is an entry in ClinVar:

NM_000256.3(MYBPC3):c.664T>C (p.Phe222Leu)

Gene: MYBPC3 (myosin binding protein C3; minus strand). Cytogenetic location: 11p11.2.
Variant type: single nucleotide variant.
Coding change: c.664T>C on transcript NM_000256.3 (MANE Select); coding-DNA position 664, T replaced by C.
Protein change: p.Phe222Leu; replaces phenylalanine 222 with leucine.
Molecular consequence: missense variant.
Genome position (GRCh38, 1-based): chr11:47,348,532, A>G on the plus strand (T>C on the coding strand, the complement: MYBPC3 is on the minus strand). VCF-style: chr11-47348532-A-G. GRCh37 (hg19) VCF-style: chr11-47370083-A-G.
Other names: short protein forms F222L.
Identifiers: ClinVar variation 3006537 (VCV003006537.3), dbSNP rs2495777019, ClinGen allele CA380336460.
Genomic context (GRCh38, chr11:47,348,532, plus strand): 5'-ACACCTCACAGCGGTAGCTGCCAGTGAAGGCAGGCTGGGCATCGGTGATGTGCAGCTCGA[A>G]CAGATAGACCTGTGTGCATGGAGGGACGGGGCGTCAGGGGACACCAGGGGCCGGGAGACA-3'
Protein context (NP_000247.2, residues 212-232): SYDRASKVYL[Phe222Leu]ELHITDAQPA

ClinVar aggregate classification (germline): Uncertain significance (1 of 4 stars; one submission).

Conditions:
Hypertrophic cardiomyopathy. Also called: HYPERTROPHIC MYOCARDIOPATHY. Identifiers: Orphanet 217569, MedGen C0007194, MeSH D002312, MONDO:0005045, HP:0001639.

Submission:

Labcorp Genetics (formerly Invitae), Labcorp
Classification: Uncertain significance for Hypertrophic cardiomyopathy. Last evaluated: 2023-06-29. Review status: criteria provided, single submitter. Criteria: Invitae Variant Classification Sherloc (09022015). Collection method: clinical testing. Allele origin: germline.
Comment: In summary, the available evidence is currently insufficient to determine the role of this variant in disease. Therefore, it has been classified as a Variant of Uncertain Significance. An algorithm developed to predict the effect of missense changes on protein structure and function (PolyPhen-2) suggests that this variant is likely to be disruptive. This variant has not been reported in the literature in individuals affected with MYBPC3-related conditions. This variant is not present in population databases (gnomAD no frequency). This sequence change replaces phenylalanine, which is neutral and non-polar, with leucine, which is neutral and non-polar, at codon 222 of the MYBPC3 protein (p.Phe222Leu).